The following is an entry in ClinVar:

ClinVar aggregate classification (germline): Uncertain significance. Review status: criteria provided, multiple submitters, no conflicts (2 of 4 stars). 5 submissions from 5 submitters: Uncertain significance (5). Last evaluated 2025-12-15.

Conditions:
Cardiovascular phenotype. Identifiers: MedGen CN230736.
Hypercholesterolemia, familial, 4 (FHCL4). Also called: HYPERCHOLESTEROLEMIA, AUTOSOMAL RECESSIVE, 1; HYPERCHOLESTEROLEMIA, AUTOSOMAL RECESSIVE, 2. Identifiers: Orphanet 391665, MedGen C1863512, MONDO:0011374, OMIM 603813.

Allele frequency attached by ClinVar (database versions not stated): gnomAD 0.00002; TOPMed 0.00002; ExAC 0.00004; 1000 Genomes Project 0.00020; 1000 Genomes Project 30x 0.00031.

Submissions (5):

Women's Health and Genetics/Laboratory Corporation of America, LabCorp
Classification: Uncertain significance. Last evaluated: 2025-12-15. Review status: criteria provided, single submitter. Criteria: LabCorp Variant Classification Summary - May 2015. Collection method: clinical testing. Allele origin: germline.
Comment: Variant summary: LDLRAP1 c.586C>T (p.Arg196Cys) results in a non-conservative amino acid change in the encoded protein sequence. Algorithms developed to predict the effect of missense changes on protein structure and function are either unavailable or do not agree on the potential impact of this missense change. The variant allele was found at a frequency of 4.8e-05 in 250762 control chromosomes. This frequency is not significantly higher than estimated for disease-causing variants in LDLRAP1, allowing no conclusion about variant significance. To our knowledge, no occurrence of c.586C>T in individuals affected with LDLRAP1-related conditions and no experimental evidence demonstrating its impact on protein function have been reported. ClinVar contains an entry for this variant (Variation ID: 1750177). Based on the evidence outlined above, the variant was classified as uncertain significance.

Ambry Genetics
Classification: Uncertain significance for Cardiovascular phenotype. Last evaluated: 2024-10-28. Review status: criteria provided, single submitter. Criteria: Ambry Variant Classification Scheme 2023. Collection method: clinical testing. Allele origin: germline.

ARUP Laboratories, Molecular Genetics and Genomics, ARUP Laboratories
Classification: Uncertain significance for Hypercholesterolemia, familial, 4. Last evaluated: 2024-10-09. Review status: criteria provided, single submitter. Criteria: ARUP Molecular Germline Variant Investigation Process 2024. Collection method: clinical testing. Allele origin: germline.
Comment: The LDLRAP1 c.586C>T; p.Arg196Cys variant (rs554607440), to our knowledge, is not reported in the medical literature but is reported in ClinVar (Variation ID: 1750177). This variant is found in the general population with an overall allele frequency of 0.005% (12/250,762 alleles) in the Genome Aggregation Database (v2.1.1). Computational analyses predict that this variant is neutral (REVEL: 0.059). However, given the lack of clinical and functional data, the significance of this variant is uncertain at this time.

Genome-Nilou Lab
Classification: Uncertain significance for Hypercholesterolemia, familial, 4. Last evaluated: 2023-04-11. Review status: criteria provided, single submitter. Criteria: ACMG Guidelines, 2015. Collection method: clinical testing. Allele origin: germline. Affected: no.

Labcorp Genetics (formerly Invitae), Labcorp
Classification: Uncertain significance for Hypercholesterolemia, familial, 4. Last evaluated: 2022-05-27. Review status: criteria provided, single submitter. Criteria: Invitae Variant Classification Sherloc (09022015). Collection method: clinical testing. Allele origin: germline.
Comment: This sequence change replaces arginine, which is basic and polar, with cysteine, which is neutral and slightly polar, at codon 196 of the LDLRAP1 protein (p.Arg196Cys). This variant is present in population databases (rs554607440, gnomAD 0.006%). This variant has not been reported in the literature in individuals affected with LDLRAP1-related conditions. Algorithms developed to predict the effect of missense changes on protein structure and function output the following: SIFT: "Tolerated"; PolyPhen-2: "Benign"; Align-GVGD: "Class C15". The cysteine amino acid residue is found in multiple mammalian species, which suggests that this missense change does not adversely affect protein function. In summary, the available evidence is currently insufficient to determine the role of this variant in disease. Therefore, it has been classified as a Variant of Uncertain Significance.

NM_015627.3(LDLRAP1):c.586C>T (p.Arg196Cys)

Gene: LDLRAP1 (low density lipoprotein receptor adaptor protein 1; plus strand). Cytogenetic location: 1p36.11.
Variant type: single nucleotide variant.
Coding change: c.586C>T on transcript NM_015627.3 (MANE Select); coding-DNA position 586, C replaced by T.
Protein change: p.Arg196Cys; replaces arginine 196 with cysteine.
Molecular consequence: missense variant.
Genome position (GRCh38, 1-based): chr1:25,563,123, C>T. VCF-style: chr1-25563123-C-T. GRCh37 (hg19) VCF-style: chr1-25889614-C-T.
Other names: short protein forms R196C.
Identifiers: ClinVar variation 1750177 (VCV001750177.8), dbSNP rs554607440, ClinGen allele CA695634.